The following is an entry in ClinVar:

ClinVar aggregate classification (germline): Uncertain significance (1 of 4 stars; one submission).

Conditions:
MOGS-congenital disorder of glycosylation. Also called: CDG IIb; GLUCOSIDASE I DEFICIENCY; MOGS-CDG; CDG 2B. Identifiers: Orphanet 79330, MedGen C1853736, MONDO:0011629, OMIM 606056.

Submission:

Labcorp Genetics (formerly Invitae), Labcorp
Classification: Uncertain significance for MOGS-congenital disorder of glycosylation. Last evaluated: 2022-03-05. Review status: criteria provided, single submitter. Criteria: Invitae Variant Classification Sherloc (09022015). Collection method: clinical testing. Allele origin: germline.
Comment: This sequence change replaces alanine, which is neutral and non-polar, with valine, which is neutral and non-polar, at codon 348 of the MOGS protein (p.Ala348Val). This variant is not present in population databases (gnomAD no frequency). This variant has not been reported in the literature in individuals affected with MOGS-related conditions. Algorithms developed to predict the effect of missense changes on protein structure and function output the following: SIFT: "Tolerated"; PolyPhen-2: "Benign"; Align-GVGD: "Class C0". The valine amino acid residue is found in multiple mammalian species, which suggests that this missense change does not adversely affect protein function. In summary, the available evidence is currently insufficient to determine the role of this variant in disease. Therefore, it has been classified as a Variant of Uncertain Significance.

NM_006302.3(MOGS):c.1043C>T (p.Ala348Val)

Gene: MOGS (mannosyl-oligosaccharide glucosidase; minus strand). Cytogenetic location: 2p13.1.
Variant type: single nucleotide variant.
Coding change: c.1043C>T on transcript NM_006302.3 (MANE Select); coding-DNA position 1043, C replaced by T.
Protein change: p.Ala348Val; replaces alanine 348 with valine.
Molecular consequence: missense variant.
Genome position (GRCh38, 1-based): chr2:74,462,746, G>A on the plus strand (C>T on the coding strand, the complement: MOGS is on the minus strand). VCF-style: chr2-74462746-G-A. GRCh37 (hg19) VCF-style: chr2-74689873-G-A.
Other names: c.725C>T, p.Ala242Val (NM_001146158.2); short protein forms A348V, A242V.
Identifiers: ClinVar variation 1970689 (VCV001970689.5), dbSNP rs2529496765, ClinGen allele CA347377586.